The following is an entry in ClinVar:

ClinVar aggregate classification (germline): Conflicting classifications of pathogenicity. Review status: criteria provided, conflicting classifications (1 of 4 stars). 8 submissions from 8 submitters: Pathogenic (1); Likely pathogenic (3); Uncertain significance (3). 1 of the submissions does not count toward it. Last evaluated 2026-01-19.

Conditions:
Primary ciliary dyskinesia 7. Also called: CILIARY DYSKINESIA, PRIMARY, 7, WITH OR WITHOUT SITUS INVERSUS. Identifiers: Orphanet 244, MedGen C2678473, MONDO:0012748, OMIM 611884.
Primary ciliary dyskinesia. Also called: Ciliary dyskinesia. Identifiers: Orphanet 244, MedGen C0008780, MONDO:0016575, HP:0012265.

Allele frequency attached by ClinVar (database versions not stated): gnomAD exomes 0.00004 and 0.00012; gnomAD 0.00006; TOPMed 0.00011; ExAC 0.00015; 1000 Genomes Project 30x 0.00016; 1000 Genomes Project 0.00020.
gnomAD v4.1: 63 of 1,613,654 alleles (0.0039%); highest among the groups gnomAD compares: East Asian, 0.12%; no homozygotes.

Submissions (8):

Labcorp Genetics (formerly Invitae), Labcorp
Classification: Pathogenic for Primary ciliary dyskinesia. Last evaluated: 2026-01-19. Review status: criteria provided, single submitter. Criteria: Invitae Variant Classification Sherloc (09022015). Collection method: clinical testing. Allele origin: germline.
Comment: This sequence change replaces leucine, which is neutral and non-polar, with arginine, which is basic and polar, at codon 1157 of the DNAH11 protein (p.Leu1157Arg). This variant is present in population databases (rs117830543, gnomAD 0.2%). This missense change has been observed in individual(s) with DNAH11-related conditions and/or primary ciliary dyskinesia (PMID: 31040315, 32502479; internal data). In at least one individual the data is consistent with being in trans (on the opposite chromosome) from a pathogenic variant. ClinVar contains an entry for this variant (Variation ID: 359621). Invitae Evidence Modeling of protein sequence and biophysical properties (such as structural, functional, and spatial information, amino acid conservation, physicochemical variation, residue mobility, and thermodynamic stability) indicates that this missense variant is not expected to disrupt DNAH11 protein function with a negative predictive value of 95%. For these reasons, this variant has been classified as Pathogenic.

Women's Health and Genetics/Laboratory Corporation of America, LabCorp
Classification: Likely pathogenic for Primary ciliary dyskinesia 7. Last evaluated: 2025-05-21. Review status: criteria provided, single submitter. Criteria: LabCorp Variant Classification Summary - May 2015. Collection method: clinical testing. Allele origin: germline.
Comment: Variant summary: DNAH11 c.3470T>G (p.Leu1157Arg) results in a non-conservative amino acid change in the encoded protein sequence. Algorithms developed to predict the effect of missense changes on protein structure and function are either unavailable or do not agree on the potential impact of this missense change. The variant allele was found at a frequency of 0.00012 in 248870 control chromosomes. This frequency is not significantly higher than estimated for a pathogenic variant in DNAH11 causing Primary Ciliary Dyskinesia 7, allowing no conclusion about variant significance. c.3470T>G has been observed in individual(s) affected with Primary Ciliary Dyskinesia (Cao_2022, Guo_2020, internal data). These data indicate that the variant is likely to be associated with disease. To our knowledge, no experimental evidence demonstrating an impact on protein function has been reported. The following publications have been ascertained in the context of this evaluation (PMID: 35441720, 32502479, 31040315, 34133440, 34405951, 35518361, 36864285). ClinVar contains an entry for this variant (Variation ID: 359621). Based on the evidence outlined above, the variant was classified as likely pathogenic.

Broad Center for Mendelian Genomics, Broad Institute of MIT and Harvard
Classification: Uncertain significance for Primary ciliary dyskinesia 7. Last evaluated: 2025-02-12. Review status: criteria provided, single submitter. Criteria: ACMG Guidelines, 2015. Collection method: curation. Allele origin: germline. Inheritance: Autosomal recessive inheritance.
Comment: The p.Leu1157Arg variant in DNAH11 has been reported in at least 4 individuals with primary ciliary dyskinesia (PMID: 32502479, 33942430, 31040315, 35518361), and has been identified in 0.12% (34/44870) of East Asian chromosomes by the Genome Aggregation Database (gnomAD; dbSNP rs117830543). Although this variant has been seen in the general population in a heterozygous state, its frequency is not high enough to rule out a pathogenic role. This variant has also been reported in ClinVar (Variation ID: 359621) and has been interpreted as likely pathogenic by Beijing Children's Hospital, GeneDx, and Children‚Äôs Hospital of Fudan University, and a variant of uncertain significance by Illumina, Invitae, and PerkinElmer Genomics. Of the 4 affected individuals, 1 was a compound heterozygote that carried a reported pathogenic variant in trans, which increases the likelihood that the p.Leu1157Arg variant is pathogenic (Variation ID: 1012320; PMID: 33942430). Computational prediction tools and conservation analyses suggest that this variant may impact the protein, though this information is not predictive enough to determine pathogenicity. In summary, the clinical significance of the p.Leu1157Arg variant is uncertain. ACMG/AMP Criteria applied: PM3 (Richards 2015).

GeneDx
Classification: Likely pathogenic. Last evaluated: 2022-05-31. Review status: criteria provided, single submitter. Criteria: GeneDx Variant Classification Process June 2021. Collection method: clinical testing. Allele origin: germline. Affected: yes.
Comment: In silico analysis supports that this missense variant has a deleterious effect on protein structure/function; This variant is associated with the following publications: (PMID: 31040315, 33942430, 31507630, 32502479)

Revvity Omics, Revvity
Classification: Uncertain significance for Primary ciliary dyskinesia 7. Last evaluated: 2021-02-04. Review status: criteria provided, single submitter. Criteria: ACMG Guidelines, 2015. Collection method: clinical testing. Allele origin: germline.

Beijing Key Laboratry for Genetics of Birth Defects, Beijing Children's Hospital
Classification: Likely pathogenic for Primary ciliary dyskinesia 7. Last evaluated: 2020-12-20. Review status: criteria provided, single submitter. Criteria: ACMG Guidelines, 2015. Collection method: clinical testing. Allele origin: germline. Affected: yes. Observed: 1 variant allele.

Juno Genomics, Hangzhou Juno Genomics, Inc
Classification: Uncertain significance for Primary ciliary dyskinesia 7. Review status: criteria provided, single submitter. Criteria: ACMG Guidelines, 2015. Collection method: clinical testing. Allele origin: germline.
Comment: For recessive disorders, detected in trans with a pathogenic variant.;Patient's phenotype or family history is highly specific for a disease with a single genetic etiology.

Center for Molecular Medicine, Children’s Hospital of Fudan University
Classification: Likely pathogenic for Primary ciliary dyskinesia 7. Last evaluated: 2020-07-07. Review status: no assertion criteria provided. Collection method: clinical testing. Allele origin: maternal. Affected: yes. Not counted in ClinVar's aggregate classification.

Literature cited by the submitters: PubMed 31040315 (cited by 3 submitters); PubMed 32502479 (cited by 3 submitters); PubMed 35441720 (cited by Women's Health and Genetics/Laboratory Corporation of America, LabCorp); PubMed 34133440 (cited by Women's Health and Genetics/Laboratory Corporation of America, LabCorp); PubMed 34405951 (cited by Women's Health and Genetics/Laboratory Corporation of America, LabCorp); PubMed 35518361 (cited by Women's Health and Genetics/Laboratory Corporation of America, LabCorp); PubMed 36864285 (cited by Women's Health and Genetics/Laboratory Corporation of America, LabCorp); PubMed 31507630 (cited by Beijing Key Laboratry for Genetics of Birth Defects, Beijing Children's Hospital).

NM_001277115.2(DNAH11):c.3470T>G (p.Leu1157Arg)

Gene: DNAH11 (dynein axonemal heavy chain 11; plus strand). Cytogenetic location: 7p15.3.
Variant type: single nucleotide variant.
Coding change: c.3470T>G on transcript NM_001277115.2 (MANE Select); coding-DNA position 3470, T replaced by G.
Protein change: p.Leu1157Arg; replaces leucine 1157 with arginine.
Molecular consequence: missense variant.
Genome position (GRCh38, 1-based): chr7:21,601,440, T>G. VCF-style: chr7-21601440-T-G. GRCh37 (hg19) VCF-style: chr7-21641058-T-G.
Other names: NM_001277115.2(DNAH11):c.3470T>G; p.Leu1157Arg; short protein forms L1157R.
Identifiers: ClinVar variation 359621 (VCV000359621.26), dbSNP rs117830543, ClinGen allele CA4179649.